The following is an entry in ClinVar:

NM_001122630.2(CDKN1C):c.125_126insC (p.Asn43fs)

Gene: CDKN1C (cyclin dependent kinase inhibitor 1C; minus strand). Cytogenetic location: 11p15.4.
Variant type: Insertion.
Coding change: c.125_126insC on transcript NM_001122630.2 (MANE Select); coding-DNA positions 125 to 126, C inserted.
Protein change: p.Asn43fs; shifts the reading frame from asparagine 43.
Molecular consequence: frameshift variant.
Genome position: GRCh38 VCF-style: chr11-2885331-C-CG. GRCh37 (hg19) VCF-style: chr11-2906561-C-CG.
Other names: c.158_159insC, p.Asn54fs (NM_000076.2, NM_001362474.2); c.125_126insC, p.Asn43fs (NM_001122631.2, NM_001362475.2); short protein forms N43fs, N54fs.
Identifiers: ClinVar variation 3648942 (VCV003648942.2).

ClinVar aggregate classification (germline): Pathogenic (1 of 4 stars; one submission).

Conditions:
Beckwith-Wiedemann syndrome (BWS). Also called: EMG SYNDROME; Exomphalos macroglossia gigantism syndrome. Identifiers: Orphanet 116, MedGen C0004903, MONDO:0007534, OMIM 130650.

Submission:

Labcorp Genetics (formerly Invitae), Labcorp
Classification: Pathogenic for Beckwith-Wiedemann syndrome. Last evaluated: 2024-04-06. Review status: criteria provided, single submitter. Criteria: Invitae Variant Classification Sherloc (09022015). Collection method: clinical testing. Allele origin: germline.
Comment: This sequence change creates a premature translational stop signal (p.Asn54Glufs*71) in the CDKN1C gene. It is expected to result in an absent or disrupted protein product. Loss-of-function variants in CDKN1C are known to be pathogenic (PMID: 20503313). This variant is not present in population databases (gnomAD no frequency). This variant has not been reported in the literature in individuals affected with CDKN1C-related conditions. For these reasons, this variant has been classified as Pathogenic.

Literature cited by the submitters: PubMed 20503313.